The following is an entry in ClinVar:

NM_001754.5(RUNX1):c.1363G>A (p.Ala455Thr)

Gene: RUNX1 (RUNX family transcription factor 1; minus strand). Cytogenetic location: 21q22.12.
Variant type: single nucleotide variant.
Coding change: c.1363G>A on transcript NM_001754.5 (MANE Select); coding-DNA position 1363, G replaced by A.
Protein change: p.Ala455Thr; replaces alanine 455 with threonine.
Molecular consequence: missense variant.
Genome position (GRCh38, 1-based): chr21:34,792,215, C>T on the plus strand (G>A on the coding strand, the complement: RUNX1 is on the minus strand). VCF-style: chr21-34792215-C-T. GRCh37 (hg19) VCF-style: chr21-36164512-C-T.
Other names: c.1282G>A, p.Ala428Thr (NM_001001890.3); short protein forms A455T, A428T.
Identifiers: ClinVar variation 4841298 (VCV004841298.1).
Genomic context (GRCh38, chr21:34,792,215, plus strand): 5'-CCTCCTCCAGGCGCGCGGAGGGCGCCATGTTGGTGGGGGAGTTGCTGTGGCTGCCCTCGG[C>T]CTCCACCACGTCGCTCTGGTTCGGGAGGCTGGGGTTGAGCAGCGCGGAGCCGGTGGAGGC-3'
Protein context (NP_001745.2, residues 445-465): SLPNQSDVVE[Ala455Thr]EGSHSNSPTN

ClinVar aggregate classification (germline): Uncertain significance (1 of 4 stars; one submission).

Conditions:
Inborn genetic diseases. Identifiers: MedGen C0950123, MeSH D030342.

Submission:

Ambry Genetics
Classification: Uncertain significance for Inborn genetic diseases. Last evaluated: 2026-02-24. Review status: criteria provided, single submitter. Criteria: Ambry Variant Classification Scheme 2023. Collection method: clinical testing. Allele origin: germline.
Comment: The p.A455T variant (also known as c.1363G>A), located in coding exon 8 of the RUNX1 gene, results from a G to A substitution at nucleotide position 1363. The alanine at codon 455 is replaced by threonine, an amino acid with similar properties. This amino acid position is conserved. In addition, this alteration is predicted to be tolerated by in silico analysis. Based on the available evidence, the clinical significance of this variant remains unclear.